The following is an entry in ClinVar:

ClinVar aggregate classification (germline): Pathogenic. Review status: criteria provided, multiple submitters, no conflicts (2 of 4 stars). 3 submissions from 3 submitters: Pathogenic (3). Last evaluated 2024-09-08.

Conditions:
Hereditary nonpolyposis colorectal neoplasms. Identifiers: MedGen C0009405, MeSH D003123.
Hereditary cancer-predisposing syndrome. Also called: Neoplastic Syndromes, Hereditary; Tumor predisposition; Hereditary Cancer Syndrome; Hereditary neoplastic syndrome. Identifiers: Orphanet 140162, MedGen C0027672, MeSH D009386, MONDO:0015356.
Lynch syndrome 5 (LYNCH5). Also called: Colorectal cancer, hereditary nonpolyposis, type 5; Hereditary non-polyposis colorectal cancer, type 5. Identifiers: Orphanet 144, MedGen C1833477, MONDO:0013710, OMIM 614350. Disease mechanism: loss of function.

Submissions (3):

Labcorp Genetics (formerly Invitae), Labcorp
Classification: Pathogenic for Hereditary nonpolyposis colorectal neoplasms. Last evaluated: 2024-09-08. Review status: criteria provided, single submitter. Criteria: Invitae Variant Classification Sherloc (09022015). Collection method: clinical testing. Allele origin: germline.
Comment: This sequence change creates a premature translational stop signal (p.Phe1323Glufs*6) in the MSH6 gene. While this is not anticipated to result in nonsense mediated decay, it is expected to disrupt the last 38 amino acid(s) of the MSH6 protein. This variant is not present in population databases (gnomAD no frequency). This variant has not been reported in the literature in individuals affected with MSH6-related conditions. ClinVar contains an entry for this variant (Variation ID: 1736527). This variant disrupts a region of the MSH6 protein in which other variant(s) (p.Arg1334Serfs*7) have been determined to be pathogenic (external communication). This suggests that this is a clinically significant region of the protein, and that variants that disrupt it are likely to be disease-causing. For these reasons, this variant has been classified as Pathogenic.

Myriad Genetics, Inc.
Classification: Pathogenic for Lynch syndrome 5. Last evaluated: 2023-09-06. Review status: criteria provided, single submitter. Criteria: Myriad Autosomal Dominant, Autosomal Recessive and X-Linked Classification Criteria (2023). Collection method: clinical testing. Allele origin: unknown.
Comment: This variant is considered pathogenic. This variant creates a frameshift predicted to result in premature protein truncation.

Ambry Genetics
Classification: Pathogenic for Hereditary cancer-predisposing syndrome. Last evaluated: 2019-12-13. Review status: criteria provided, single submitter. Criteria: Ambry Variant Classification Scheme 2023. Collection method: clinical testing. Allele origin: germline.
Comment: The c.3962_3966dupGAGAA pathogenic mutation, located in coding exon 9 of the MSH6 gene, results from a duplication of GAGAA at nucleotide position 3962, causing a translational frameshift with a predicted alternate stop codon (p.F1323Efs*6). This alteration is expected to result in loss of function by premature protein truncation or nonsense-mediated mRNA decay. As such, this alteration is interpreted as a disease-causing mutation.

NM_000179.3(MSH6):c.3962_3966dup (p.Phe1323fs)

Gene: MSH6 (mutS homolog 6; plus strand). Cytogenetic location: 2p16.3.
Variant type: Duplication.
Coding change: c.3962_3966dup on transcript NM_000179.3 (MANE Select); coding-DNA positions 3962 to 3966, 5 bases duplicated (GAGAA; older notation c.3962_3966dupGAGAA).
Protein change: p.Phe1323fs; shifts the reading frame from phenylalanine 1323.
Molecular consequence: frameshift variant.
Genome position (GRCh38, 1-based): chr2:47,806,612-47,806,616, GAGAA duplicated; duplicating any 5 consecutive bases within chr2:47,806,610-47,806,616 gives the same sequence; the c. name uses the placement nearest the transcript's 3' end. VCF-style (leftmost placement, unchanged base first): chr2-47806609-C-CAAGAG. GRCh37 (hg19) VCF-style: chr2-48033748-C-CAAGAG.
Other names: c.3572_3576dup, p.Phe1193fs (NM_001281492.2); c.3056_3060dup, p.Phe1021fs (NM_001281493.2, NM_001281494.2); c.4058_4062dup, p.Phe1355Glufs (NM_001406795.1); c.3962_3966dup, p.Phe1323Glufs (NM_001406796.1, NM_001406808.1, NM_001406809.1); c.3665_3669dup, p.Phe1224Glufs (NM_001406797.1, NM_001406818.1, NM_001406819.1 and 10 more transcripts); c.3788_3792dup, p.Phe1265Glufs (NM_001406798.1); c.3437_3441dup, p.Phe1148Glufs (NM_001406799.1, NM_001406806.1, NM_001406807.1); c.3949_3953dup, p.Asn1318Lysfs (NM_001406800.1); and 10 more; short protein forms F1021fs, F1193fs, F1323fs.
Identifiers: ClinVar variation 1736527 (VCV001736527.8), dbSNP rs2530875649, ClinGen allele CA2573334468.
Genomic context (GRCh38, chr2:47,806,609, plus strand): 5'-TTAATGCAGCAAGGCTTGCTAATCTCCCAGAGGAAGTTATTCAAAAGGGACATAGAAAAG[C>CAAGAG]AAGAGAATTTGAGAAGATGAATCAGTCACTACGATTATTTCGGTAACTAACTAACTATAA-3'